The following is an entry in ClinVar:

ClinVar aggregate classification (germline): Likely benign (1 of 4 stars; one submission).

Allele frequency attached by ClinVar (database versions not stated): ExAC 0.00003; TOPMed 0.00006; gnomAD 0.00007; gnomAD exomes 0.00007; ESP Exome Variant Server 0.00019.

Submission:

CeGaT Center for Human Genetics Tuebingen
Classification: Likely benign. Last evaluated: 2022-08-01. Review status: criteria provided, single submitter. Criteria: CeGaT Center For Human Genetics Tuebingen Variant Classification Criteria Version 2. Collection method: clinical testing. Allele origin: germline. Affected: yes. Observed: 1 variant allele.
Comment: PASD1: BP4, BP7

NM_173493.3(PASD1):c.2047C>T (p.Leu683=)

Gene: PASD1 (PAS domain containing repressor 1; plus strand). Cytogenetic location: Xq28.
Variant type: single nucleotide variant.
Coding change: c.2047C>T on transcript NM_173493.3 (MANE Select); coding-DNA position 2047, C replaced by T.
Protein change: p.Leu683=; no amino-acid change (leucine 683 retained).
Molecular consequence: synonymous variant.
Genome position (GRCh38, 1-based): chrX:151,674,058, C>T. VCF-style: chrX-151674058-C-T. GRCh37 (hg19) VCF-style: chrX-150842530-C-T.
Identifiers: ClinVar variation 2661646 (VCV002661646.24), dbSNP rs149869100, ClinGen allele CA10541135.